The following is an entry in ClinVar:

NM_000051.4(ATM):c.3347A>G (p.Gln1116Arg)

Gene: ATM (ATM serine/threonine kinase; plus strand). Cytogenetic location: 11q22.3.
Variant type: single nucleotide variant.
Coding change: c.3347A>G on transcript NM_000051.4 (MANE Select); coding-DNA position 3347, A replaced by G.
Protein change: p.Gln1116Arg; replaces glutamine 1116 with arginine.
Molecular consequence: missense variant.
Genome position (GRCh38, 1-based): chr11:108,279,553, A>G. VCF-style: chr11-108279553-A-G. GRCh37 (hg19) VCF-style: chr11-108150280-A-G.
Other names: c.3347A>G, p.Gln1116Arg (NM_001351834.2); short protein forms Q1116R.
Identifiers: ClinVar variation 4169276 (VCV004169276.1).
Genomic context (GRCh38, chr11:108,279,553, plus strand): 5'-TGTTCCAGGACACGAAGGGAGATTCTTCCAGGTTACTGAAAGCACTTCCTTTGAAGCTTC[A>G]GCAAACAGCTTTTGAAAATGCATACTTGAAAGCTCAGGAAGGAATGAGAGAAATGGTAAT-3'
Protein context (NP_000042.3, residues 1106-1126): RLLKALPLKL[Gln1116Arg]QTAFENAYLK

ClinVar aggregate classification (germline): Uncertain significance (1 of 4 stars; one submission).

Conditions:
Hereditary cancer-predisposing syndrome. Also called: Neoplastic Syndromes, Hereditary; Tumor predisposition; Hereditary Cancer Syndrome; Hereditary neoplastic syndrome. Identifiers: Orphanet 140162, MedGen C0027672, MeSH D009386, MONDO:0015356.

gnomAD v4.1: 1 of 1,613,864 alleles (0.000062%); highest among the groups gnomAD compares: Non-Finnish European, 0.000085%; no homozygotes.

Submission:

Ambry Genetics
Classification: Uncertain significance for Hereditary cancer-predisposing syndrome. Last evaluated: 2025-07-23. Review status: criteria provided, single submitter. Criteria: Ambry Variant Classification Scheme 2023. Collection method: clinical testing. Allele origin: germline.
Comment: The p.Q1116R variant (also known as c.3347A>G), located in coding exon 22 of the ATM gene, results from an A to G substitution at nucleotide position 3347. The glutamine at codon 1116 is replaced by arginine, an amino acid with highly similar properties. This amino acid position is highly conserved in available vertebrate species. In addition, this alteration is predicted to be deleterious by in silico analysis. Based on the available evidence, the clinical significance of this variant remains unclear.